The following is an entry in ClinVar:

NM_006767.4(LZTR1):c.1616-10_1616-9del

Gene: LZTR1 (leucine zipper like post translational regulator 1; plus strand). Cytogenetic location: 22q11.21.
Variant type: Deletion.
Coding change: c.1616-10_1616-9del on transcript NM_006767.4 (MANE Select); 10 bases into the intron before coding-DNA position 1616 through 9 bases into the intron before coding-DNA position 1616, 2 bases deleted (TG; older notation c.1616-10_1616-9delTG).
Molecular consequence: intron variant.
Genome position (GRCh38, 1-based): chr22:20,994,548-20,994,549, TG deleted. VCF-style (leftmost placement, unchanged base first): chr22-20994547-CTG-C. GRCh37 (hg19) VCF-style: chr22-21348836-CTG-C.
Identifiers: ClinVar variation 3061605 (VCV003061605.2), dbSNP rs2518621599, ClinGen allele CA2740094795.

ClinVar aggregate classification (germline): Likely benign (0 of 4 stars; one submission).

Conditions:
LZTR1-related disorder. Also called: LZTR1-related disorders; LZTR1-related condition.

Submission:

PreventionGenetics, part of Exact Sciences
Classification: Likely benign for LZTR1-related condition. Last evaluated: 2021-10-20. Review status: no assertion criteria provided. Collection method: clinical testing. Allele origin: germline.
Comment: This variant is classified as likely benign based on ACMG/AMP sequence variant interpretation guidelines (Richards et al. 2015 PMID: 25741868, with internal and published modifications).